The following is an entry in ClinVar:

NM_001282534.2(KCNK9):c.1105A>T (p.Lys369Ter)

Gene: KCNK9 (potassium two pore domain channel subfamily K member 9; minus strand). Cytogenetic location: 8q24.3.
Variant type: single nucleotide variant.
Coding change: c.1105A>T on transcript NM_001282534.2 (MANE Select); coding-DNA position 1105, A replaced by T.
Protein change: p.Lys369Ter; replaces lysine 369 with a stop codon.
Molecular consequence: nonsense. On other transcripts: non-coding transcript variant (1).
Genome position (GRCh38, 1-based): chr8:139,618,278, T>A on the plus strand (A>T on the coding strand, the complement: KCNK9 is on the minus strand). VCF-style: chr8-139618278-T-A. GRCh37 (hg19) VCF-style: chr8-140630521-T-A.
Other names: c.1105A>T, p.Lys369Ter (NM_016601.2); short protein forms K369*.
Identifiers: ClinVar variation 2663032 (VCV002663032.1), dbSNP rs769891611, ClinGen allele CA4892497.

ClinVar aggregate classification (germline): Uncertain significance (1 of 4 stars; one submission).

Allele frequency attached by ClinVar (database versions not stated): gnomAD exomes below 0.00001; gnomAD 0.00001; ExAC 0.00002.
gnomAD v4.1: 2 of 1,614,140 alleles (0.00012%); highest among the groups gnomAD compares: Non-Finnish European, 0.00017%; no homozygotes.

Submission:

GeneDx
Classification: Uncertain significance. Last evaluated: 2023-04-20. Review status: criteria provided, single submitter. Criteria: GeneDx Variant Classification Process June 2021. Collection method: clinical testing. Allele origin: germline. Affected: yes.
Comment: Nonsense variant predicted to result in protein truncation as the last 6 amino acids are lost; Has not been previously published as pathogenic or benign to our knowledge